The following is an entry in ClinVar:

NM_003394.4(WNT10B):c.884_896del (p.Phe295fs)

Gene: WNT10B (Wnt family member 10B; minus strand). Cytogenetic location: 12q13.12.
Variant type: Deletion.
Coding change: c.884_896del on transcript NM_003394.4 (MANE Select); coding-DNA positions 884 to 896, 13 bases deleted (TCCAGCCCCGTCT).
Protein change: p.Phe295fs; shifts the reading frame from phenylalanine 295.
Molecular consequence: frameshift variant.
Genome position (GRCh38, 1-based): chr12:48,966,369-48,966,381, AGACGGGGCTGGA deleted on the plus strand (TCCAGCCCCGTCT on the coding strand, the reverse complement: WNT10B is on the minus strand); deleting any 13 consecutive bases within chr12:48,966,369-48,966,383 gives the same sequence; the c. name uses the placement nearest the transcript's 3' end. VCF-style (leftmost placement, unchanged base first): chr12-48966368-CAGACGGGGCTGGA-C. GRCh37 (hg19) VCF-style: chr12-49360151-CAGACGGGGCTGGA-C.
Other names: short protein forms F295fs.
Identifiers: ClinVar variation 2098787 (VCV002098787.4), dbSNP rs758375129, ClinGen allele CA6544069.

ClinVar aggregate classification (germline): Pathogenic (1 of 4 stars; one submission).

Submission:

Labcorp Genetics (formerly Invitae), Labcorp
Classification: Pathogenic. Last evaluated: 2022-09-22. Review status: criteria provided, single submitter. Criteria: Invitae Variant Classification Sherloc (09022015). Collection method: clinical testing. Allele origin: germline.
Comment: For these reasons, this variant has been classified as Pathogenic. This variant disrupts the C-terminus of the WNT10B protein. Other variant(s) that disrupt this region (p.Cys366*) have been observed in individuals with WNT10B-related conditions (PMID: 31998667). This suggests that this may be a clinically significant region of the protein. This premature translational stop signal has been observed in individuals with split-hand/foot malformation (PMID: 32762550; Invitae). It has also been observed to segregate with disease in related individuals. This variant is present in population databases (rs758375129, gnomAD 0.003%). This sequence change creates a premature translational stop signal (p.Phe295Cysfs*87) in the WNT10B gene. While this is not anticipated to result in nonsense mediated decay, it is expected to disrupt the last 95 amino acid(s) of the WNT10B protein.

Literature cited by the submitters: PubMed 31998667; PubMed 32762550.